The following is an entry in ClinVar:

ClinVar aggregate classification (germline): Uncertain significance (1 of 4 stars; one submission).

Conditions:
Gastrointestinal stromal tumor. Also called: Gastrointestinal stromal tumor, somatic; Gastrointestinal stroma tumor. Identifiers: Orphanet 44890, MedGen C0238198, MeSH D046152, MONDO:0011719, OMIM 606764, HP:0100723.

Submission:

Labcorp Genetics (formerly Invitae), Labcorp
Classification: Uncertain significance for Gastrointestinal stromal tumor. Last evaluated: 2020-09-03. Review status: criteria provided, single submitter. Criteria: Invitae Variant Classification Sherloc (09022015). Collection method: clinical testing. Allele origin: germline.
Comment: This sequence change affects an acceptor splice site in intron 19 of the PDGFRA gene. It is expected to disrupt RNA splicing and likely results in an absent or disrupted protein product. This variant is not present in population databases (ExAC no frequency). This variant has not been reported in the literature in individuals with PDGFRA-related conditions. Algorithms developed to predict the effect of sequence changes on RNA splicing suggest that this variant may disrupt the consensus splice site, but this prediction has not been confirmed by published transcriptional studies. The current clinical and genetic evidence is not sufficient to establish whether loss-of-function variants in PDGFRA cause disease. In summary, the available evidence is currently insufficient to determine the role of this variant in disease. Therefore, it has been classified as a Variant of Uncertain Significance.

NM_006206.6(PDGFRA):c.2675-1G>A

Gene: PDGFRA (platelet derived growth factor receptor alpha; plus strand). Cytogenetic location: 4q12.
Variant type: single nucleotide variant.
Coding change: c.2675-1G>A on transcript NM_006206.6 (MANE Select); the canonical splice acceptor site of the intron before coding-DNA position 2675, G replaced by A.
Molecular consequence: splice acceptor variant.
Genome position (GRCh38, 1-based): chr4:54,288,798, G>A. VCF-style: chr4-54288798-G-A. GRCh37 (hg19) VCF-style: chr4-55154965-G-A.
Other names: c.2675-1G>A (NM_001347829.2); c.2714-1G>A (NM_001347830.2); c.2750-1G>A (NM_001347828.2).
Identifiers: ClinVar variation 1017616 (VCV001017616.7), dbSNP rs1724477959, ClinGen allele CA356895393.
Genomic context (GRCh38, chr4:54,288,798, plus strand): 5'-AAGTGTTTCAGCAATGCACTGAGCGTTTGTTAGTCCTGGTGTTTTATTGTTTGGCTTTTA[G>A]GTGGCACCCCTTACCCCGGCATGATGGTGGATTCTACTTTCTACAATAAGATCAAGAGTG-3'